The following is an entry in ClinVar:

NM_000159.4(GCDH):c.853-155G>A

Gene: GCDH (glutaryl-CoA dehydrogenase; plus strand). Cytogenetic location: 19p13.13.
Variant type: single nucleotide variant.
Coding change: c.853-155G>A on transcript NM_000159.4 (MANE Select); 155 bases into the intron before coding-DNA position 853, G replaced by A.
Molecular consequence: intron variant.
Genome position (GRCh38, 1-based): chr19:12,896,755, G>A. VCF-style: chr19-12896755-G-A. GRCh37 (hg19) VCF-style: chr19-13007569-G-A.
Other names: c.853-155G>A (NM_013976.5).
Identifiers: ClinVar variation 673167 (VCV000673167.2), dbSNP rs59033408, ClinGen allele CA305500697.

ClinVar aggregate classification (germline): Likely benign. Review status: criteria provided, multiple submitters, no conflicts (2 of 4 stars). 2 submissions from 2 submitters: Likely benign (2). Last evaluated 2018-06-14.

Allele frequency attached by ClinVar (database versions not stated): gnomAD 0.01205 and 0.01296; TOPMed 0.01397; 1000 Genomes Project 0.01418; 1000 Genomes Project 30x 0.01562.
gnomAD v4.1: 1,819 of 152,306 alleles (1.2%); highest among the groups gnomAD compares: African/African-American, 4.1%; 39 homozygotes.

Submissions (2):

GeneDx
Classification: Likely benign. Last evaluated: 2018-06-14. Review status: criteria provided, single submitter. Criteria: GeneDx Variant Classification (06012015). Collection method: clinical testing. Allele origin: germline. Affected: yes.
Comment: This variant is considered likely benign or benign based on one or more of the following criteria: it is a conservative change, it occurs at a poorly conserved position in the protein, it is predicted to be benign by multiple in silico algorithms, and/or has population frequency not consistent with disease.

Breakthrough Genomics
Classification: Likely benign. Review status: criteria provided, single submitter. Criteria: ACMG Guidelines, 2015. Collection method: not provided. Allele origin: germline. Inheritance: Autosomal recessive inheritance. Affected: yes.